The following is an entry in ClinVar:

NM_000330.4(RS1):c.644A>T (p.Glu215Val)

Genes: CDKL5 (cyclin dependent kinase like 5; plus strand), RS1 (retinoschisin 1; minus strand). Cytogenetic location: Xp22.13.
Variant type: single nucleotide variant.
Coding change: c.644A>T on transcript NM_000330.4 (MANE Select); coding-DNA position 644, A replaced by T.
Protein change: p.Glu215Val; replaces glutamic acid 215 with valine.
Molecular consequence: missense variant. On other transcripts: intron variant (2).
Genome position (GRCh38, 1-based): chrX:18,642,035, T>A on the plus strand (A>T on the coding strand, the complement: RS1 is on the minus strand). VCF-style: chrX-18642035-T-A. GRCh37 (hg19) VCF-style: chrX-18660155-T-A.
Other names: NM_000330.4(RS1):c.644A>T; p.Glu215Val; c.2714-3972T>A (NM_003159.3, NM_001037343.2); short protein forms E215V.
Identifiers: ClinVar variation 1359440 (VCV001359440.7), dbSNP rs2147188877, ClinGen allele CA412370114.

ClinVar aggregate classification (germline): Pathogenic. Review status: reviewed by expert panel (3 of 4 stars). 2 submissions from 2 submitters: Pathogenic (1). 1 of the submissions does not count toward it. Last evaluated 2026-09-26.

Conditions:
Juvenile retinoschisis (RS1). Also called: X-linked retinoschisis; X-Linked Juvenile Retinoschisis. Identifiers: Orphanet 792, MedGen C3714753, MONDO:0010725, OMIM 312700.

Submissions (2):

ClinGen X-linked Inherited Retinal Disease Variant Curation Expert Panel, ClinGen
Classification: Pathogenic for Juvenile retinoschisis. Last evaluated: 2026-09-26. Review status: reviewed by expert panel. Criteria: ClinGen X LinkedIRD ACMG Specifications RS1 V1.0.0. Collection method: curation. Allele origin: germline. Inheritance: X-linked inheritance.
Comment: The NM_000330.4(RS1): c.644A>T (p.Glu215Val) variant is a missense variant encoding the substitution of Glutamate with Valine at amino acid 215. This variant is absent from hemizygous individuals in gnomAD v4.1.0 (PM2_Supporting). The computational predictor REVEL gives a score of 0.988, which is above the ClinGen X-linked IRD VCEP threshold of >0.932 and predicts a damaging effect on RS1 function (PP3_strong). The computational splicing predictor SpliceAI gives a delta score of 0.01 for acceptor gain, which is below the ClinGen X-linked IRD VCEP threshold of ≥0.2 and does not predict that the variant disrupts RS1 splicing. Another missense variant in the same codon, NM_000330.4(RS1):c.643G>C (p.Glu215Gln), (PMIDs: 19324861, 11598108, 9618178, 39462066) has been classified as pathogenic for X-linked retinoschisis by the ClinGen X-linked IRD VCEP, while no benign missense variants have been identified in this codon. The present variant has a higher Grantham’s distance (121) than the comparison variant (29), and SpliceAI has been used to confirm that neither variant has a predicted impact on RS1 splicing (PM5). This variant p.Glu215Val, of the RS1 gene, is a missense substitution affecting an established residue involved in cross-linking the adjacent RS1 subunit defined by the ClinGen X-linked IRD VCEP (PMID: 27114531). The PP3_strong code is ineligible to be used in combination with the PM1 code at any strength, and therefore, this code was not met. At least one proband harboring this variant exhibits a phenotype of the appearance of schisis and reduced visual acuity before age 13 years, which together are specific for X-linked retinoschisis (PMID: 19324861, PP4). This variant has been reported in at least 3 apparently unrelated probands meeting the PS4 requirement of a male diagnosed with XLRS (PS4_Moderate, PMIDs: 19324861, 17852193, Department of Genetics, Fundacion Jimenez Diaz, Madrid, Spain). Another missense variant in the same codon, NM_000330.4(RS1):c.643G>A (p.Glu215Lys), (PMIDs: 10450864, 33460243, 27114531) has been classified as likely pathogenic for X-linked retinoschisis by the ClinGen X-linked IRD VCEP, while no benign missense variants have been identified in this codon. In summary, this variant is classified as pathogenic for X-linked retinoschisis based on the ClinGen X-linked Inherited Retinal Disease Expert Panel Specifications to the ACMG/AMP Variant Interpretation Guidelines for RS1 Version 1.0.0: PM2_Supporting, PP3_Strong, PM5, PP4, and PS4_ Moderate.

Labcorp Genetics (formerly Invitae), Labcorp
Classification: Pathogenic. Last evaluated: 2022-01-02. Review status: criteria provided, single submitter. Criteria: Invitae Variant Classification Sherloc (09022015). Collection method: clinical testing. Allele origin: germline. Not counted in ClinVar's aggregate classification.
Comment: For these reasons, this variant has been classified as Pathogenic. This variant disrupts the p.Glu215 amino acid residue in RS1. Other variant(s) that disrupt this residue have been observed in individuals with RS1-related conditions (PMID: 9618178, 10450864), which suggests that this may be a clinically significant amino acid residue. Advanced modeling of protein sequence and biophysical properties (such as structural, functional, and spatial information, amino acid conservation, physicochemical variation, residue mobility, and thermodynamic stability) performed at Invitae indicates that this missense variant is expected to disrupt RS1 protein function. This missense change has been observed in individuals with retinoschisis (PMID: 19324861, 22245991; Invitae). This variant is not present in population databases (gnomAD no frequency). This sequence change replaces glutamic acid, which is acidic and polar, with valine, which is neutral and non-polar, at codon 215 of the RS1 protein (p.Glu215Val).

Literature cited by the submitters: PubMed 9618178 (cited by Labcorp Genetics (formerly Invitae), Labcorp); PubMed 10450864 (cited by Labcorp Genetics (formerly Invitae), Labcorp); PubMed 19324861 (cited by Labcorp Genetics (formerly Invitae), Labcorp); PubMed 22245991 (cited by Labcorp Genetics (formerly Invitae), Labcorp).